The following is an entry in ClinVar:

ClinVar aggregate classification (germline): Uncertain significance (1 of 4 stars; one submission).

Conditions:
Cardiovascular phenotype. Identifiers: MedGen CN230736.

Allele frequency attached by ClinVar (database versions not stated): gnomAD 0.00001.
gnomAD v4.1: 1 of 1,453,144 alleles (0.000069%); highest among the groups gnomAD compares: African/African-American, 0.0014%; no homozygotes.

Submission:

Ambry Genetics
Classification: Uncertain significance for Cardiovascular phenotype. Last evaluated: 2023-11-02. Review status: criteria provided, single submitter. Criteria: Ambry Variant Classification Scheme 2023. Collection method: clinical testing. Allele origin: germline.
Comment: The p.R841G variant (also known as c.2521A>G), located in coding exon 9 of the RBM20 gene, results from an A to G substitution at nucleotide position 2521. The arginine at codon 841 is replaced by glycine, an amino acid with dissimilar properties. This amino acid position is conserved. In addition, this alteration is predicted to be tolerated by in silico analysis. Since supporting evidence is limited at this time, the clinical significance of this alteration remains unclear.

NM_001134363.3(RBM20):c.2521A>G (p.Arg841Gly)

Gene: RBM20 (RNA binding motif protein 20; plus strand). Cytogenetic location: 10q25.2.
Variant type: single nucleotide variant.
Coding change: c.2521A>G on transcript NM_001134363.3 (MANE Select); coding-DNA position 2521, A replaced by G.
Protein change: p.Arg841Gly; replaces arginine 841 with glycine.
Molecular consequence: missense variant.
Genome position (GRCh38, 1-based): chr10:110,812,918, A>G. VCF-style: chr10-110812918-A-G. GRCh37 (hg19) VCF-style: chr10-112572676-A-G.
Other names: short protein forms R841G.
Identifiers: ClinVar variation 3233206 (VCV003233206.1), dbSNP rs1421296217, ClinGen allele CA378374642.